The following is an entry in ClinVar:

ClinVar aggregate classification (germline): Pathogenic (1 of 4 stars; one submission).

Submission:

Labcorp Genetics (formerly Invitae), Labcorp
Classification: Pathogenic. Last evaluated: 2019-08-25. Review status: criteria provided, single submitter. Criteria: Invitae Variant Classification Sherloc (09022015). Collection method: clinical testing. Allele origin: germline.
Comment: This sequence change creates a premature translational stop signal (p.Gly2082Glufs*124) in the COL7A1 gene. It is expected to result in an absent or disrupted protein product. This variant is not present in population databases (ExAC no frequency). This variant has not been reported in the literature in individuals with COL7A1-related conditions. Loss-of-function variants in COL7A1 are known to be pathogenic (PMID: 16971478). For these reasons, this variant has been classified as Pathogenic.

Literature cited by the submitters: PubMed 16971478.

NM_000094.4(COL7A1):c.6245del (p.Gly2082fs)

Gene: COL7A1 (collagen type VII alpha 1 chain; minus strand). Cytogenetic location: 3p21.31.
Variant type: Deletion.
Coding change: c.6245del on transcript NM_000094.4 (MANE Select); coding-DNA position 6245, one base deleted (G; older notation c.6245delG).
Protein change: p.Gly2082fs; shifts the reading frame from glycine 2082.
Molecular consequence: frameshift variant.
Genome position (GRCh38, 1-based): chr3:48,575,098, C deleted on the plus strand (G on the coding strand, the reverse complement: COL7A1 is on the minus strand); the first of 2 consecutive C bases (chr3:48,575,098-48,575,099); deleting either gives the same sequence. VCF-style (leftmost placement, unchanged base first): chr3-48575097-TC-T. GRCh37 (hg19) VCF-style: chr3-48612530-TC-T.
Other names: short protein forms G2082fs.
Identifiers: ClinVar variation 954623 (VCV000954623.6), dbSNP rs2044198408, ClinGen allele CA1139658057.